The following is an entry in ClinVar:

NM_020533.3(MCOLN1):c.622G>A (p.Asp208Asn)

Gene: MCOLN1 (mucolipin TRP cation channel 1; plus strand). Cytogenetic location: 19p13.2.
Variant type: single nucleotide variant.
Coding change: c.622G>A on transcript NM_020533.3 (MANE Select); coding-DNA position 622, G replaced by A.
Protein change: p.Asp208Asn; replaces aspartic acid 208 with asparagine.
Molecular consequence: missense variant.
Genome position (GRCh38, 1-based): chr19:7,527,570, G>A. VCF-style: chr19-7527570-G-A. GRCh37 (hg19) VCF-style: chr19-7592456-G-A.
Other names: short protein forms D208N.
Identifiers: ClinVar variation 1752335 (VCV001752335.3), dbSNP rs377681899, ClinGen allele CA9138806.
Genomic context (GRCh38, chr19:7,527,570, plus strand): 5'-CTGTCCTTAGACTGCATCCAGGTGGATCCCCCCGAGCGGCCCCCTCCGCCCCCCAGCGAC[G>A]ATCTCACCCTCTTGGAAAGCAGCTCCAGTTACAAGAACCTCACGCTCAAATTCCACAAGT-3'
Protein context (NP_065394.1, residues 198-218): PERPPPPPSD[Asp208Asn]LTLLESSSSY

ClinVar aggregate classification (germline): Uncertain significance (1 of 4 stars; one submission).

Conditions:
Inborn genetic diseases. Identifiers: MedGen C0950123, MeSH D030342.

Allele frequency attached by ClinVar (database versions not stated): gnomAD 0.00003; ExAC 0.00002; ESP Exome Variant Server 0.00015.
gnomAD v4.1: 74 of 1,612,432 alleles (0.0046%); highest among the groups gnomAD compares: Non-Finnish European, 0.0056%; no homozygotes.

Submission:

Ambry Genetics
Classification: Uncertain significance for Inborn genetic diseases. Last evaluated: 2025-10-01. Review status: criteria provided, single submitter. Criteria: Ambry Variant Classification Scheme 2023. Collection method: clinical testing. Allele origin: germline.
Comment: The p.D208N variant (also known as c.622G>A), located in coding exon 5 of the MCOLN1 gene, results from a G to A substitution at nucleotide position 622. The aspartic acid at codon 208 is replaced by asparagine, an amino acid with highly similar properties. This amino acid position is conserved. In addition, this alteration is predicted to be tolerated by in silico analysis. Since supporting evidence is limited at this time, the clinical significance of this alteration remains unclear.